The following is an entry in ClinVar:

ClinVar aggregate classification (germline): Uncertain significance. Review status: criteria provided, single submitter (1 of 4 stars). 2 submissions from 2 submitters: Uncertain significance (1). 1 of the submissions does not count toward it. Last evaluated 2022-06-20.

Conditions:
Argininosuccinate lyase deficiency. Also called: Argininosuccinic aciduria; ARGININOSUCCINIC ACID LYASE DEFICIENCY; ASL DEFICIENCY. Identifiers: Orphanet 23, MedGen C0268547, MONDO:0008815, OMIM 207900, HP:0025630.

Allele frequency attached by ClinVar (database versions not stated): ExAC 0.00001; gnomAD exomes 0.00001; gnomAD 0.00002; TOPMed 0.00006.
gnomAD v4.1: 20 of 1,613,918 alleles (0.0012%); highest among the groups gnomAD compares: Middle Eastern, 0.033%; no homozygotes.

Submissions (2):

Labcorp Genetics (formerly Invitae), Labcorp
Classification: Uncertain significance for Argininosuccinate lyase deficiency. Last evaluated: 2022-06-20. Review status: criteria provided, single submitter. Criteria: Invitae Variant Classification Sherloc (09022015). Collection method: clinical testing. Allele origin: germline.
Comment: This sequence change replaces alanine, which is neutral and non-polar, with valine, which is neutral and non-polar, at codon 26 of the ASL protein (p.Ala26Val). This variant is present in population databases (rs761046404, gnomAD 0.006%). This variant has not been reported in the literature in individuals affected with ASL-related conditions. ClinVar contains an entry for this variant (Variation ID: 1022218). Algorithms developed to predict the effect of missense changes on protein structure and function (SIFT, PolyPhen-2, Align-GVGD) all suggest that this variant is likely to be tolerated. In summary, the available evidence is currently insufficient to determine the role of this variant in disease. Therefore, it has been classified as a Variant of Uncertain Significance.

Natera, Inc.
Classification: Uncertain significance for Argininosuccinate lyase deficiency. Last evaluated: 2020-02-26. Review status: no assertion criteria provided. Collection method: clinical testing. Allele origin: germline. Not counted in ClinVar's aggregate classification.

NM_000048.4(ASL):c.77C>T (p.Ala26Val)

Gene: ASL (argininosuccinate lyase; plus strand). Cytogenetic location: 7q11.21.
Variant type: single nucleotide variant.
Coding change: c.77C>T on transcript NM_000048.4 (MANE Select); coding-DNA position 77, C replaced by T.
Protein change: p.Ala26Val; replaces alanine 26 with valine.
Molecular consequence: missense variant.
Genome position (GRCh38, 1-based): chr7:66,081,867, C>T. VCF-style: chr7-66081867-C-T. GRCh37 (hg19) VCF-style: chr7-65546854-C-T.
Other names: c.77C>T, p.Ala26Val (NM_001024943.2, NM_001024944.2, NM_001024946.2); short protein forms A26V.
Identifiers: ClinVar variation 1022218 (VCV001022218.5), dbSNP rs761046404, ClinGen allele CA4276821.
Genomic context (GRCh38, chr7:66,081,867, plus strand): 5'-GGAAGCTTTGGGGTGGCCGGTTTGTGGGTGCAGTGGACCCCATCATGGAGAAGTTCAACG[C>T]GTCCATTGCCTACGACCGGCACCTTTGGGAGGTGGATGTTCAAGGCAGCAAAGCCTACAG-3'
Protein context (NP_000039.2, residues 16-36): AVDPIMEKFN[Ala26Val]SIAYDRHLWE